The following is an entry in ClinVar:

ClinVar aggregate classification (germline): Uncertain significance (1 of 4 stars; one submission).

Conditions:
Duchenne muscular dystrophy (DMD). Also called: MUSCULAR DYSTROPHY, PSEUDOHYPERTROPHIC PROGRESSIVE, DUCHENNE TYPE; Duchenne Muscular Dystrophy (DMD). Identifiers: Orphanet 98896, MedGen C0013264, MONDO:0010679, OMIM 310200.

Submission:

Labcorp Genetics (formerly Invitae), Labcorp
Classification: Uncertain significance for Duchenne muscular dystrophy. Last evaluated: 2022-01-02. Review status: criteria provided, single submitter. Criteria: Invitae Variant Classification Sherloc (09022015). Collection method: clinical testing. Allele origin: germline.
Comment: This sequence change replaces arginine, which is basic and polar, with leucine, which is neutral and non-polar, at codon 1930 of the DMD protein (p.Arg1930Leu). This variant is not present in population databases (gnomAD no frequency). This variant has not been reported in the literature in individuals affected with DMD-related conditions. Algorithms developed to predict the effect of missense changes on protein structure and function are either unavailable or do not agree on the potential impact of this missense change (SIFT: "Deleterious"; PolyPhen-2: "Benign"; Align-GVGD: "Class C0"). In summary, the available evidence is currently insufficient to determine the role of this variant in disease. Therefore, it has been classified as a Variant of Uncertain Significance.

NM_004006.3(DMD):c.5789G>T (p.Arg1930Leu)

Gene: DMD (dystrophin; minus strand). Cytogenetic location: Xp21.1.
Variant type: single nucleotide variant.
Coding change: c.5789G>T on transcript NM_004006.3 (MANE Select); coding-DNA position 5789, G replaced by T.
Protein change: p.Arg1930Leu; replaces arginine 1930 with leucine.
Molecular consequence: missense variant.
Genome position (GRCh38, 1-based): chrX:32,342,233, C>A on the plus strand (G>T on the coding strand, the complement: DMD is on the minus strand). VCF-style: chrX-32342233-C-A. GRCh37 (hg19) VCF-style: chrX-32360350-C-A.
Other names: c.5765G>T, p.Arg1922Leu (NM_000109.4); c.5777G>T, p.Arg1926Leu (NM_004009.3); c.5420G>T, p.Arg1807Leu (NM_004010.3); c.1766G>T, p.Arg589Leu (NM_004011.4); c.1757G>T, p.Arg586Leu (NM_004012.4); short protein forms R1926L, R1807L, R586L, R589L, R1922L, R1930L.
Identifiers: ClinVar variation 2184559 (VCV002184559.1), dbSNP rs759051688, ClinGen allele CA412665179.